The following is an entry in ClinVar:

NM_006005.3(WFS1):c.1480G>A (p.Gly494Ser)

Gene: WFS1 (wolframin ER transmembrane glycoprotein; plus strand). Cytogenetic location: 4p16.1.
Variant type: single nucleotide variant.
Coding change: c.1480G>A on transcript NM_006005.3 (MANE Select); coding-DNA position 1480, G replaced by A.
Protein change: p.Gly494Ser; replaces glycine 494 with serine.
Molecular consequence: missense variant.
Genome position (GRCh38, 1-based): chr4:6,301,275, G>A. VCF-style: chr4-6301275-G-A. GRCh37 (hg19) VCF-style: chr4-6303002-G-A.
Other names: c.1480G>A, p.Gly494Ser (NM_001145853.1); short protein forms G494S.
Identifiers: ClinVar variation 1412493 (VCV001412493.12), dbSNP rs760692398, ClinGen allele CA2839369.

ClinVar aggregate classification (germline): Uncertain significance. Review status: criteria provided, multiple submitters, no conflicts (2 of 4 stars). 6 submissions from 6 submitters: Uncertain significance (6). Last evaluated 2025-04-22.

Conditions:
Wolfram-like syndrome. Also called: HEARING LOSS, PROGRESSIVE, WITH OPTIC ATROPHY AND/OR IMPAIRED GLUCOSE REGULATION. Identifiers: Orphanet 411590, MedGen C3280358, MONDO:0013673, OMIM 614296.
Wolfram syndrome 1 (WFS1). Identifiers: Orphanet 3463, MedGen C4551693, MONDO:0009101, OMIM 222300.
Cataract 41 (CTRCT41). Also called: CATARACT 41, CONGENITAL NUCLEAR TYPE. Identifiers: Orphanet 91492, Orphanet 98991, Orphanet 98992, Orphanet 98995, MedGen C3805412, MONDO:0007287, OMIM 116400.
Autosomal dominant nonsyndromic hearing loss 6 (LFSNHL). Also called: DEAFNESS, AUTOSOMAL DOMINANT 6; DEAFNESS, AUTOSOMAL DOMINANT 14; DEAFNESS, AUTOSOMAL DOMINANT 38; Autosomal dominant nonsyndromic deafness 6. Identifiers: Orphanet 90635, MedGen C1833021, MONDO:0010963, OMIM 600965.
Type 2 diabetes mellitus. Also called: Type II diabetes mellitus. Identifiers: MedGen C0011860, MeSH D003924, MONDO:0005148, OMIM 125853, HP:0005978.
WFS1-related disorder. Identifiers: MedGen CN379391, MONDO:0700293.

Allele frequency attached by ClinVar (database versions not stated): ExAC 0.00004; gnomAD 0.00004; TOPMed 0.00004.
gnomAD v4.1: 50 of 1,611,208 alleles (0.0031%); highest among the groups gnomAD compares: East Asian, 0.049%; no homozygotes.

Submissions (6):

Labcorp Genetics (formerly Invitae), Labcorp
Classification: Uncertain significance. Last evaluated: 2025-04-22. Review status: criteria provided, single submitter. Criteria: Invitae Variant Classification Sherloc (09022015). Collection method: clinical testing. Allele origin: germline.
Comment: This sequence change replaces glycine, which is neutral and non-polar, with serine, which is neutral and polar, at codon 494 of the WFS1 protein (p.Gly494Ser). This variant is present in population databases (rs760692398, gnomAD 0.04%). This missense change has been observed in individual(s) with deafness (PMID: 28271504). ClinVar contains an entry for this variant (Variation ID: 1412493). Invitae Evidence Modeling of protein sequence and biophysical properties (such as structural, functional, and spatial information, amino acid conservation, physicochemical variation, residue mobility, and thermodynamic stability) has been performed for this missense variant. However, the output from this modeling did not meet the statistical confidence thresholds required to predict the impact of this variant on WFS1 protein function. In summary, the available evidence is currently insufficient to determine the role of this variant in disease. Therefore, it has been classified as a Variant of Uncertain Significance.

PreventionGenetics, part of Exact Sciences
Classification: Uncertain significance for WFS1-related condition. Last evaluated: 2024-11-19. Review status: criteria provided, single submitter. Criteria: ACMG Guidelines, 2015. Collection method: clinical testing. Allele origin: germline.
Comment: The WFS1 c.1480G>A variant is predicted to result in the amino acid substitution p.Gly494Ser. This variant has been reported in a patient with bilateral low-frequency sensorineural hearing loss, but the pathogenicity is still unknown (Kasakura-Kimura et al. 2017. PubMed ID: 28271504). At this time, the clinical significance of this variant is uncertain due to the absence of conclusive functional and genetic evidence.

Blueprint Genetics
Classification: Uncertain significance. Last evaluated: 2024-10-23. Review status: criteria provided, single submitter. Criteria: ACMG Guidelines, 2015. Collection method: clinical testing. Allele origin: germline.

Fulgent Genetics
Classification: Uncertain significance for Cataract 41; Type 2 diabetes mellitus; Wolfram syndrome 1; Autosomal dominant nonsyndromic hearing loss 6; Wolfram-like syndrome. Last evaluated: 2024-03-28. Review status: criteria provided, single submitter. Criteria: ACMG Guidelines, 2015. Collection method: clinical testing. Allele origin: germline.

GeneDx
Classification: Uncertain significance. Last evaluated: 2023-05-30. Review status: criteria provided, single submitter. Criteria: GeneDx Variant Classification Process June 2021. Collection method: clinical testing. Allele origin: germline. Affected: yes.
Comment: In silico analysis supports that this missense variant has a deleterious effect on protein structure/function; This variant is associated with the following publications: (PMID: 28271504)

Precision Medicine Center, Zhengzhou University
Classification: Uncertain significance for Autosomal dominant nonsyndromic hearing loss 6. Last evaluated: 2006-06-30. Review status: criteria provided, single submitter. Criteria: ClinGen HL ACMG Specifications v1. Collection method: clinical testing. Allele origin: unknown. Affected: yes.
Comment: In addition, multiple in silico prediction tools suggest a deleterious effect on protein function (PP3). However, parental confirmation of de novo status and additional supporting evidence are lacking. Therefore, this variant is classified as a Variant of Uncertain Significance (VUS) according to ACMG/AMP guidelines.

Literature cited by the submitters: PubMed 28271504 (cited by Labcorp Genetics (formerly Invitae), Labcorp).